The following is an entry in ClinVar:

NM_000038.6(APC):c.1153dup (p.Ala385fs)

Gene: APC (APC regulator of Wnt signaling pathway; plus strand). Cytogenetic location: 5q22.2.
Variant type: Duplication.
Coding change: c.1153dup on transcript NM_000038.6 (MANE Select); coding-DNA position 1153, one base duplicated (G; older notation c.1153dupG).
Protein change: p.Ala385fs; shifts the reading frame from alanine 385.
Molecular consequence: frameshift variant. On other transcripts: intron variant (4).
Genome position (GRCh38, 1-based): chr5:112,819,185, G duplicated. VCF-style (leftmost placement, unchanged base first): chr5-112819184-T-TG. GRCh37 (hg19) VCF-style: chr5-112154881-T-TG.
Other names: c.1153dup, p.Ala385fs (NM_001127510.3, NM_001354895.2, NM_001354896.2); c.1099dup, p.Ala367fs (NM_001127511.3); c.1183dup, p.Ala395fs (NM_001354897.2); c.1078dup, p.Ala360fs (NM_001354898.2); c.1069dup, p.Ala357fs (NM_001354899.2); c.976dup, p.Ala326fs (NM_001354900.2, NM_001354901.2); c.304dup, p.Ala102fs (NM_001354906.2); c.964-84dup (NM_001354902.2); and 3 more; short protein forms A102fs, A367fs, A385fs, A360fs, A326fs, A357fs, A395fs.
Identifiers: ClinVar variation 959859 (VCV000959859.10), dbSNP rs1762844479, ClinGen allele CA1139658987.

ClinVar aggregate classification (germline): Pathogenic. Review status: criteria provided, multiple submitters, no conflicts (2 of 4 stars). 2 submissions from 2 submitters: Pathogenic (2). Last evaluated 2023-04-28.

Conditions:
Familial adenomatous polyposis 1 (FAP1). Also called: POLYPOSIS, ADENOMATOUS INTESTINAL; FAMILIAL ADENOMATOUS POLYPOSIS 1, ATTENUATED. Identifiers: MedGen C2713442, MONDO:0021056, OMIM 175100. Disease mechanism: loss of function.

Submissions (2):

Myriad Genetics, Inc.
Classification: Pathogenic for Familial adenomatous polyposis 1. Last evaluated: 2023-04-28. Review status: criteria provided, single submitter. Criteria: Myriad Autosomal Dominant, Autosomal Recessive and X-Linked Classification Criteria (2023). Collection method: clinical testing. Allele origin: unknown.
Comment: This variant is considered pathogenic. This variant creates a frameshift predicted to result in premature protein truncation.

Labcorp Genetics (formerly Invitae), Labcorp
Classification: Pathogenic for Familial adenomatous polyposis 1. Last evaluated: 2022-03-05. Review status: criteria provided, single submitter. Criteria: Invitae Variant Classification Sherloc (09022015). Collection method: clinical testing. Allele origin: germline.
Comment: For these reasons, this variant has been classified as Pathogenic. ClinVar contains an entry for this variant (Variation ID: 959859). This variant has not been reported in the literature in individuals affected with APC-related conditions. This variant is not present in population databases (gnomAD no frequency). This sequence change creates a premature translational stop signal (p.Ala385Glyfs*12) in the APC gene. It is expected to result in an absent or disrupted protein product. Loss-of-function variants in APC are known to be pathogenic (PMID: 17963004, 20685668).

Literature cited by the submitters: PubMed 17963004 (cited by Labcorp Genetics (formerly Invitae), Labcorp); PubMed 20685668 (cited by Labcorp Genetics (formerly Invitae), Labcorp).